The following is an entry in ClinVar:

ClinVar aggregate classification (germline): Conflicting classifications of pathogenicity. Review status: criteria provided, conflicting classifications (1 of 4 stars). 13 submissions from 13 submitters: Uncertain significance (6); Likely benign (5). 2 of the submissions do not count toward it. Last evaluated 2026-05-05.

Conditions:
Hereditary cancer-predisposing syndrome. Also called: Hereditary Cancer Syndrome; Neoplastic Syndromes, Hereditary; Hereditary neoplastic syndrome; Tumor predisposition. Identifiers: Orphanet 140162, MedGen C0027672, MeSH D009386, MONDO:0015356.
Hereditary breast ovarian cancer syndrome. Also called: Hereditary breast and ovarian cancer syndrome; Breast and ovarian cancer; BRCA1- and BRCA2-Associated Hereditary Breast and Ovarian Cancer; Hereditary breast and/or ovarian cancer syndrome; Hereditary breast and ovarian cancer; Hereditary breast and ovarian cancer syndrome (HBOC). Identifiers: Orphanet 145, MedGen C0677776, MeSH D061325, MONDO:0003582. Disease mechanism: loss of function.
Breast-ovarian cancer, familial, susceptibility to, 2 (BROVCA2). Also called: BRCA2 Hereditary Breast and Ovarian Cancer. Identifiers: Orphanet 145, MedGen C2675520, MONDO:0012933, OMIM 612555. Disease mechanism: loss of function.

Allele frequency attached by ClinVar (database versions not stated): gnomAD 0.00001; TOPMed 0.00003; ExAC 0.00003; gnomAD exomes 0.00005 and 0.00003.
gnomAD v4.1: 76 of 1,597,714 alleles (0.0048%); highest among the groups gnomAD compares: Non-Finnish European, 0.0061%; no homozygotes.

Submissions 1 to 7 of 14:

Women's Health and Genetics/Laboratory Corporation of America, LabCorp
Classification: Likely benign. Last evaluated: 2026-05-05. Review status: criteria provided, single submitter. Criteria: LabCorp Variant Classification Summary - May 2015. Collection method: clinical testing. Allele origin: germline.
Comment: Variant summary: BRCA2 c.3326C>T (p.Ala1109Val) results in a non-conservative amino acid change in the encoded protein sequence. Algorithms developed to predict the effect of missense changes on protein structure and function are either unavailable or do not agree on the potential impact of this missense change. The variant allele was found at a frequency of 3.4e-05 in 236298 control chromosomes. The available data on variant occurrences in the general population are insufficient to allow any conclusion about variant significance. c.3326C>T has been reported in the literature in individuals with a personal and/or family history of breast- and/or ovarian cancer (Lu_2012, Couch_2015, Dorling_2021), and with other tumor phenotypes (Chandrasekharappa_2017), but was also found in healthy controls (Dorling_2021 through LOVD). These reports do not provide unequivocal conclusions about association of the variant with Hereditary Breast and Ovarian Cancer Syndrome. At-least one co-occurrence with another pathogenic variant has been reported in the BIC database (BRCA1 c.2241del, p.Asp749fs), providing supporting evidence for a benign role. One publication reports experimental evidence evaluating an impact on protein function, however, does not allow convincing conclusions about the variant effect (Brough_2012). A different study reported the variant to have no effect on splicing (Baert_2018). Two recent reports from the CAGI5 (fifth Critical Assessment of Genome Interpretation) challenge have classified this variant as likely benign in a prediction protocol that includes assessment of the impact of this variant on splicing and protein function using four sets of predictors (Padilla_2019, Cline_2019). In addition, a recent multifactorial likelihood analysis predicted this variant to be likely benign (Parsons_2019). The following publications have been ascertained in the context of this evaluation (PMID: 22476429, 24817641, 22293751, 25452441, 28678401, 29280214, 31131967, 31112341, 31294896, 33471991). ClinVar contains an entry for this variant (Variation ID: 51450). Based on the evidence outlined above, the variant was classified as likely benign.

Labcorp Genetics (formerly Invitae), Labcorp
Classification: Likely benign for Hereditary breast ovarian cancer syndrome. Last evaluated: 2026-01-27. Review status: criteria provided, single submitter. Criteria: Invitae Variant Classification Sherloc (09022015). Collection method: clinical testing. Allele origin: germline.

Quest Diagnostics Nichols Institute San Juan Capistrano
Classification: Uncertain significance. Last evaluated: 2024-12-26. Review status: criteria provided, single submitter. Criteria: Quest Diagnostics criteria. Collection method: clinical testing. Allele origin: unknown.
Comment: The BRCA2 c.3326C>T (p.Ala1109Val) variant has been reported in individuals with breast cancer (PMID: 25452441 (2015), 33471991 (2021), see also LOVD) and head and neck squamous cell carcinoma (HNSCC) (PMID: 28678401 (2017)). This variant has also been identified in reportedly healthy individuals (PMID: 33471991 (2021), see also LOVD). A functional assay found this variant had a mild effect on the ability of BRCA2 to restore homologous recombination in BRCA2-deficient cells (PMIDs: 22293751 (2012)). The frequency of this variant in the general population (Genome Aggregation Database) is uninformative in the assessment of its pathogenicity. Analysis of this variant using bioinformatics tools for the prediction of the effect of amino acid changes on protein structure and function yielded predictions that this variant is damaging. Additional analysis using software algorithms for the prediction of the effect of nucleotide changes on BRCA2 mRNA splicing yielded predictions that this variant may result in the gain of a cryptic splice site without affecting the natural splice sites. However, an in vitro functional assay showed this variant had no effect on splicing (PMID: 29280214 (2018)). Based on the available information, we are unable to determine the clinical significance of this variant.

GeneDx
Classification: Uncertain significance. Last evaluated: 2024-07-30. Review status: criteria provided, single submitter. Criteria: GeneDx Variant Classification Process June 2021. Collection method: clinical testing. Allele origin: germline. Affected: yes.
Comment: Published functional studies are inconclusive: impaired interaction between BRCA2 and APRIN, inability to fully rescue homology-directed repair activity in BRCA2-deficient cells, but intact RAD51C binding capacity (PMID: 22293751); In silico analysis supports that this missense variant has a deleterious effect on protein structure/function; Also known as 3554C>T; This variant is associated with the following publications: (PMID: 28678401, 25452441, 26689913, 22476429, 29280214, 24817641, 28726806, 32377563, 29884841, 31112341, 31294896, 31131967, 33471991, 22293751, 36865205)

St. Jude Molecular Pathology, St. Jude Children's Research Hospital
Classification: Uncertain significance for Breast-ovarian cancer, familial, susceptibility to, 2. Last evaluated: 2024-05-02. Review status: criteria provided, single submitter. Criteria: St. Jude Assertion Criteria 2020. Collection method: clinical testing. Allele origin: germline.

University of Washington Department of Laboratory Medicine, University of Washington
Classification: Likely benign for Hereditary cancer-predisposing syndrome. Last evaluated: 2023-03-23. Review status: criteria provided, single submitter. Criteria: Dines et al. (Genet Med. 2020). Collection method: curation. Allele origin: germline.
Comment: Missense variant in a coldspot region where missense variants are very unlikely to be pathogenic (PMID:31911673).

BRCA2 exon 11 coldspot. Reclassification based on statistical prior probability.

Sema4
Classification: Uncertain significance for Hereditary cancer-predisposing syndrome. Last evaluated: 2022-03-10. Review status: criteria provided, single submitter. Criteria: Sema4 Curation Guidelines. Collection method: curation. Allele origin: germline.
Comment: The BRCA2 c.3326C>T (p.A1109V) variant has been reported in heterozygosity in at least two individuals with breast cancer and one from a high-risk breast/ovarian cancer family (PMID: 25452441,33471991, 22476429). It was also reported in two individuals with head/neck squamous cell carcinoma (PMID: 28678401). Functional studies have shown that this variant alters the interaction with APRIN protein and showed slightly decreased homologous repair compared to wild type (PMID: 22293751). An RNA analysis showed that this variant did not impact splicing in cultured lymphocytes (PMID: 29280214). This variant was observed in 9/267698 chromosomes from large and broad populations by the Genome Aggregation Database (PMID: 32461654). This variant has been reported in ClinVar (Variation ID: 51450). Based on the current evidence available, this variant is interpreted as a variant of uncertain significance.

NM_000059.4(BRCA2):c.3326C>T (p.Ala1109Val)

Gene: BRCA2 (BRCA2 DNA repair associated; plus strand). Cytogenetic location: 13q13.1.
Variant type: single nucleotide variant.
Coding change: c.3326C>T on transcript NM_000059.4 (MANE Select); coding-DNA position 3326, C replaced by T.
Protein change: p.Ala1109Val; replaces alanine 1109 with valine.
Molecular consequence: missense variant.
Genome position (GRCh38, 1-based): chr13:32,337,681, C>T. VCF-style: chr13-32337681-C-T. GRCh37 (hg19) VCF-style: chr13-32911818-C-T.
Other names: p.A1109V:GCA>GTA; 3554C>T; short protein forms A1109V.
Identifiers: ClinVar variation 51450 (VCV000051450.39), dbSNP rs41293479, ClinGen allele CA017785.
Genomic context (GRCh38, chr13:32,337,681, plus strand): 5'-AGATGTTATTTTCCAAGCAGGATTTTAATTCAAACCATAATTTAACACCTAGCCAAAAGG[C>T]AGAAATTACAGAACTTTCTACTATATTAGAAGAATCAGGAAGTCAGTTTGAATTTACTCA-3'
Protein context (NP_000050.3, residues 1099-1119): SNHNLTPSQK[Ala1109Val]EITELSTILE